The following is an entry in ClinVar:

ClinVar aggregate classification (germline): Conflicting classifications of pathogenicity. Review status: criteria provided, conflicting classifications (1 of 4 stars). 2 submissions from 2 submitters: Uncertain significance (1); Likely benign (1). Last evaluated 2026-01-28.

Conditions:
TTN-related disorder. Also called: TTN-related condition; TTN-related disease; TTN-related disorders.

gnomAD v4.1: 16 of 1,612,048 alleles (0.00099%); highest among the groups gnomAD compares: Middle Eastern, 0.016%; no homozygotes.

Submissions (2):

PreventionGenetics, part of Exact Sciences
Classification: Uncertain significance for TTN-related condition. Last evaluated: 2026-01-28. Review status: criteria provided, single submitter. Criteria: ACMG Guidelines, 2015. Collection method: clinical testing. Allele origin: germline.
Comment: The TTN c.46123G>A variant is predicted to result in the amino acid substitution p.Ala15375Thr. This variant has been reported in an individual with dilated cardiomyopathy (Table S3, Mazzarotto et al. 2020. PubMed ID: 31983221). This variant is reported in 0.00089% of alleles in individuals of European (Non-Finnish) descent in gnomAD. At this time, the clinical significance of this variant is uncertain due to the absence of conclusive functional and genetic evidence.

Molecular Diagnostic Laboratory for Inherited Cardiovascular Disease, Montreal Heart Institute
Classification: Likely benign. Last evaluated: 2025-04-09. Review status: criteria provided, single submitter. Criteria: ACMG Guidelines, 2015. Collection method: clinical testing. Allele origin: germline. Affected: no.

NM_001267550.2(TTN):c.46123G>A (p.Ala15375Thr)

Gene: TTN (titin; minus strand). Cytogenetic location: 2q31.2.
Variant type: single nucleotide variant.
Coding change: c.46123G>A on transcript NM_001267550.2 (MANE Select); coding-DNA position 46123, G replaced by A.
Protein change: p.Ala15375Thr; replaces alanine 15375 with threonine.
Molecular consequence: missense variant.
Genome position (GRCh38, 1-based): chr2:178,620,398, C>T on the plus strand (G>A on the coding strand, the complement: TTN is on the minus strand). VCF-style: chr2-178620398-C-T. GRCh37 (hg19) VCF-style: chr2-179485125-C-T.
Other names: c.41200G>A, p.Ala13734Thr (NM_001256850.1); c.18928G>A, p.Ala6310Thr (NM_003319.4); c.38419G>A, p.Ala12807Thr (NM_133378.4); c.19303G>A, p.Ala6435Thr (NM_133432.3); c.19504G>A, p.Ala6502Thr (NM_133437.4); short protein forms A12807T, A13734T, A15375T, A6310T, A6435T, A6502T.
Identifiers: ClinVar variation 3894831 (VCV003894831.2), dbSNP rs767265973.